The following is an entry in ClinVar:

NM_000023.4(SGCA):c.236_237insA (p.Gln80fs)

Gene: SGCA (sarcoglycan alpha; plus strand). Cytogenetic location: 17q21.33.
Variant type: Insertion.
Coding change: c.236_237insA on transcript NM_000023.4 (MANE Select); coding-DNA positions 236 to 237, A inserted.
Protein change: p.Gln80fs; shifts the reading frame from glutamine 80.
Molecular consequence: frameshift variant. On other transcripts: non-coding transcript variant (1).
Genome position: GRCh38 VCF-style: chr17-50167660-C-CA. GRCh37 (hg19) VCF-style: chr17-48245021-C-CA.
Other names: c.236_237insA, p.Gln80fs (NM_001135697.3); short protein forms Q80fs.
Identifiers: ClinVar variation 581361 (VCV000581361.7), dbSNP rs1567739339, ClinGen allele CA891844173.

ClinVar aggregate classification (germline): Pathogenic/Likely pathogenic. Review status: criteria provided, multiple submitters, no conflicts (2 of 4 stars). 2 submissions from 2 submitters: Pathogenic (1); Likely pathogenic (1). Last evaluated 2023-06-15.

Conditions:
Autosomal recessive limb-girdle muscular dystrophy type 2D (LGMDR3). Also called: ADHALINOPATHY, PRIMARY; DUCHENNE-LIKE AUTOSOMAL RECESSIVE MUSCULAR DYSTROPHY, TYPE 2; MUSCULAR DYSTROPHY, LIMB-GIRDLE, AUTOSOMAL RECESSIVE 3. Identifiers: Orphanet 62, MedGen C2936332, MONDO:0011968, OMIM 608099. Disease mechanism: Affects gamma-sarcoglycan and also disrupts the integrity of the entire sarcoglycan complex..

Allele frequency attached by ClinVar (database versions not stated): gnomAD exomes below 0.00001.

Submissions (2):

Baylor Genetics
Classification: Likely pathogenic for Autosomal recessive limb-girdle muscular dystrophy type 2D. Last evaluated: 2023-06-15. Review status: criteria provided, single submitter. Criteria: ACMG Guidelines, 2015. Collection method: clinical testing. Allele origin: unknown.

Labcorp Genetics (formerly Invitae), Labcorp
Classification: Pathogenic for Autosomal recessive limb-girdle muscular dystrophy type 2D. Last evaluated: 2022-07-01. Review status: criteria provided, single submitter. Criteria: Invitae Variant Classification Sherloc (09022015). Collection method: clinical testing. Allele origin: germline.
Comment: This sequence change creates a premature translational stop signal (p.Gln80Profs*25) in the SGCA gene. It is expected to result in an absent or disrupted protein product. Loss-of-function variants in SGCA are known to be pathogenic (PMID: 9192266). This variant is not present in population databases (gnomAD no frequency). For these reasons, this variant has been classified as Pathogenic. ClinVar contains an entry for this variant (Variation ID: 581361). This variant has not been reported in the literature in individuals affected with SGCA-related conditions.

Literature cited by the submitters: PubMed 9192266 (cited by Labcorp Genetics (formerly Invitae), Labcorp).